The following is an entry in ClinVar:

ClinVar aggregate classification (germline): Uncertain significance (1 of 4 stars; one submission).

gnomAD v4.1: 2 of 1,613,948 alleles (0.00012%); highest among the groups gnomAD compares: Admixed American, 0.0017%; no homozygotes.

Submission:

Labcorp Genetics (formerly Invitae), Labcorp
Classification: Uncertain significance. Last evaluated: 2022-08-23. Review status: criteria provided, single submitter. Criteria: Invitae Variant Classification Sherloc (09022015). Collection method: clinical testing. Allele origin: germline.
Comment: This sequence change replaces phenylalanine, which is neutral and non-polar, with leucine, which is neutral and non-polar, at codon 371 of the TMC1 protein (p.Phe371Leu). The frequency data for this variant in the population databases is considered unreliable, as metrics indicate poor data quality at this position in the gnomAD database. This variant has not been reported in the literature in individuals affected with TMC1-related conditions. ClinVar contains an entry for this variant (Variation ID: 1467710). Algorithms developed to predict the effect of missense changes on protein structure and function (SIFT, PolyPhen-2, Align-GVGD) all suggest that this variant is likely to be tolerated. Algorithms developed to predict the effect of sequence changes on RNA splicing suggest that this variant may disrupt the consensus splice site. In summary, the available evidence is currently insufficient to determine the role of this variant in disease. Therefore, it has been classified as a Variant of Uncertain Significance.

NM_138691.3(TMC1):c.1113C>A (p.Phe371Leu)

Gene: TMC1 (transmembrane channel like 1; plus strand). Cytogenetic location: 9q21.13.
Variant type: single nucleotide variant.
Coding change: c.1113C>A on transcript NM_138691.3 (MANE Select); coding-DNA position 1113, C replaced by A.
Protein change: p.Phe371Leu; replaces phenylalanine 371 with leucine.
Molecular consequence: missense variant.
Genome position (GRCh38, 1-based): chr9:72,789,206, C>A. VCF-style: chr9-72789206-C-A. GRCh37 (hg19) VCF-style: chr9-75404122-C-A.
Other names: short protein forms F371L.
Identifiers: ClinVar variation 1467710 (VCV001467710.5), dbSNP rs762332645, ClinGen allele CA373504886.
Genomic context (GRCh38, chr9:72,789,206, plus strand): 5'-AGCCCAAGTAGAAGAAAACGTCCACTTGATCAGATTCCTGAGGTTTCTGGCTAACTTCTT[C>A]GTGTTTCTAACACTTGGAGGGAGTGGATACCTCATCTTTTGGGCTGTGAAGCGATCCCAG-3'
Protein context (NP_619636.2, residues 361-381): IRFLRFLANF[Phe371Leu]VFLTLGGSGY